The following is an entry in ClinVar:

ClinVar aggregate classification (germline): Uncertain significance (1 of 4 stars; one submission).

Conditions:
ZFYVE19-related disorder. Also called: ZFYVE19-related condition.

gnomAD v4.1: 115 of 1,597,104 alleles (0.0072%); highest among the groups gnomAD compares: African/African-American, 0.13%; no homozygotes.

Submission:

PreventionGenetics, part of Exact Sciences
Classification: Uncertain significance for ZFYVE19-related condition. Last evaluated: 2026-03-25. Review status: criteria provided, single submitter. Criteria: ACMG Guidelines, 2015. Collection method: clinical testing. Allele origin: germline.
Comment: The ZFYVE19 c.131C>T variant is predicted to result in the amino acid substitution p.Pro44Leu. To our knowledge, this variant has not been reported in the literature. This variant is reported in 0.11% of alleles in individuals of African descent in gnomAD, which is likely too common to be a primary cause of disease. Although we suspect this variant may be benign, at this time, the clinical significance of this variant is uncertain due to the absence of conclusive functional and genetic evidence.

NM_001077268.2(ZFYVE19):c.279+392C>T

Gene: ZFYVE19 (zinc finger FYVE-type containing 19; plus strand). Cytogenetic location: 15q15.1.
Variant type: single nucleotide variant.
Coding change: c.279+392C>T on transcript NM_001077268.2 (MANE Select); 392 bases into the intron after coding-DNA position 279, C replaced by T.
Molecular consequence: intron variant. On other transcripts: missense variant (1).
Genome position (GRCh38, 1-based): chr15:40,808,260, C>T. VCF-style: chr15-40808260-C-T. GRCh37 (hg19) VCF-style: chr15-41100458-C-T.
Other names: c.131C>T, p.Pro44Leu (NM_032850.5); c.279+392C>T (NM_001258420.2); c.-247+589C>T (NM_001258421.2); short protein forms P44L.
Identifiers: ClinVar variation 4978828 (VCV004978828.1).